The following is an entry in ClinVar:

ClinVar aggregate classification (germline): Uncertain significance. Review status: criteria provided, multiple submitters, no conflicts (2 of 4 stars). 2 submissions from 2 submitters: Uncertain significance (2). Last evaluated 2024-06-20.

Conditions:
Hereditary cancer-predisposing syndrome. Also called: Neoplastic Syndromes, Hereditary; Tumor predisposition; Hereditary Cancer Syndrome; Hereditary neoplastic syndrome. Identifiers: Orphanet 140162, MedGen C0027672, MeSH D009386, MONDO:0015356.

Submissions (2):

Labcorp Genetics (formerly Invitae), Labcorp
Classification: Uncertain significance. Last evaluated: 2024-06-20. Review status: criteria provided, single submitter. Criteria: Invitae Variant Classification Sherloc (09022015). Collection method: clinical testing. Allele origin: germline.
Comment: This sequence change replaces arginine, which is basic and polar, with tryptophan, which is neutral and slightly polar, at codon 670 of the CTNNA1 protein (p.Arg670Trp). This variant is not present in population databases (gnomAD no frequency). This variant has not been reported in the literature in individuals affected with CTNNA1-related conditions. ClinVar contains an entry for this variant (Variation ID: 1784354). An algorithm developed to predict the effect of missense changes on protein structure and function (PolyPhen-2) suggests that this variant is likely to be disruptive. In summary, the available evidence is currently insufficient to determine the role of this variant in disease. Therefore, it has been classified as a Variant of Uncertain Significance.

Ambry Genetics
Classification: Uncertain significance for Hereditary cancer-predisposing syndrome. Last evaluated: 2022-09-26. Review status: criteria provided, single submitter. Criteria: Ambry Variant Classification Scheme 2023. Collection method: clinical testing. Allele origin: germline.
Comment: The p.R670W variant (also known as c.2008C>T), located in coding exon 13 of the CTNNA1 gene, results from a C to T substitution at nucleotide position 2008. The arginine at codon 670 is replaced by tryptophan, an amino acid with dissimilar properties. This amino acid position is conserved. In addition, the in silico prediction for this alteration is inconclusive. Since supporting evidence is limited at this time, the clinical significance of this alteration remains unclear.

NM_001903.5(CTNNA1):c.2008C>T (p.Arg670Trp)

Gene: CTNNA1 (catenin alpha 1; plus strand). Cytogenetic location: 5q31.2.
Variant type: single nucleotide variant.
Coding change: c.2008C>T on transcript NM_001903.5 (MANE Select); coding-DNA position 2008, C replaced by T.
Protein change: p.Arg670Trp; replaces arginine 670 with tryptophan.
Molecular consequence: missense variant.
Genome position (GRCh38, 1-based): chr5:138,929,354, C>T. VCF-style: chr5-138929354-C-T. GRCh37 (hg19) VCF-style: chr5-138265043-C-T.
Other names: c.2008C>T, p.Arg670Trp (NM_001290307.3, NM_001323982.2, NM_001323983.1 and 2 more transcripts); c.1699C>T, p.Arg567Trp (NM_001290309.3); c.1639C>T, p.Arg547Trp (NM_001290310.3); c.898C>T, p.Arg300Trp (NM_001290312.1, NM_001323987.1, NM_001323988.1 and 17 more transcripts); c.1915C>T, p.Arg639Trp (NM_001323986.2); c.559C>T, p.Arg187Trp (NM_001324006.1, NM_001324007.1, NM_001324008.1 and 2 more transcripts); c.805C>T, p.Arg269Trp (NM_001324011.1); c.655C>T, p.Arg219Trp (NM_001324012.1, NM_001324013.1); short protein forms R547W, R187W, R269W, R639W, R219W, R300W, R670W, R567W.
Identifiers: ClinVar variation 1784354 (VCV001784354.4), dbSNP rs1764812877, ClinGen allele CA361132956.
Genomic context (GRCh38, chr5:138,929,354, plus strand): 5'-GTCAGAAGCAGGACGAGCGTCCAGACAGAAGACGATCAGCTGATAGCTGGCCAGAGTGCC[C>T]GGGTAAGGAAGCGCTCCGTGGGGCAGTTCAGCTTGTGCTGCCGACTTTCCCTGTCCCCTT-3'
Protein context (NP_001894.2, residues 660-680): DDQLIAGQSA[Arg670Trp]AIMAQLPQEQ